The following is an entry in ClinVar:

ClinVar aggregate classification (germline): Likely benign (1 of 4 stars; one submission).

Conditions:
POLD1-related polyposis and colorectal cancer syndrome (CRCS10). Also called: Colorectal cancer 10; COLORECTAL CANCER, SUSCEPTIBILITY TO, ON CHROMOSOME 19q; Colorectal cancer, susceptibility to, 10. Identifiers: Orphanet 220460, MedGen C2675481, MONDO:0012953, OMIM 612591.

gnomAD v4.1: 1 of 1,553,266 alleles (0.000064%); highest among the groups gnomAD compares: Non-Finnish European, 0.000087%; no homozygotes.

Submission:

Myriad Genetics, Inc.
Classification: Likely benign for POLD1-related polyposis and colorectal cancer syndrome. Last evaluated: 2025-02-05. Review status: criteria provided, single submitter. Criteria: Myriad Autosomal Dominant, Autosomal Recessive and X-Linked Classification Criteria (2023). Collection method: clinical testing. Allele origin: unknown.
Comment: This variant is considered likely benign. This variant is intronic and is not expected to impact mRNA splicing.

NM_002691.4(POLD1):c.971-17A>C

Gene: POLD1 (DNA polymerase delta 1, catalytic subunit; plus strand). Cytogenetic location: 19q13.33.
Variant type: single nucleotide variant.
Coding change: c.971-17A>C on transcript NM_002691.4 (MANE Select); 17 bases into the intron before coding-DNA position 971, A replaced by C.
Molecular consequence: intron variant.
Genome position (GRCh38, 1-based): chr19:50,403,036, A>C. VCF-style: chr19-50403036-A-C. GRCh37 (hg19) VCF-style: chr19-50906293-A-C.
Other names: c.971-17A>C (NM_001256849.1, NM_001308632.1).
Identifiers: ClinVar variation 3904324 (VCV003904324.1).